The following is an entry in ClinVar:

ClinVar aggregate classification (germline): Likely pathogenic (1 of 4 stars; one submission).

Submission:

Labcorp Genetics (formerly Invitae), Labcorp
Classification: Likely pathogenic. Last evaluated: 2022-09-19. Review status: criteria provided, single submitter. Criteria: Invitae Variant Classification Sherloc (09022015). Collection method: clinical testing. Allele origin: germline.
Comment: This sequence change affects an acceptor splice site in intron 59 of the HTT gene. It is expected to disrupt RNA splicing. Variants that disrupt the donor or acceptor splice site typically lead to a loss of protein function (PMID: 16199547), and loss-of-function variants in HTT are known to be pathogenic (PMID: 7550343, 7618107, 7774020, 27329733). This variant is not present in population databases (gnomAD no frequency). This variant has not been reported in the literature in individuals affected with HTT-related conditions. ClinVar contains an entry for this variant (Variation ID: 1357041). Algorithms developed to predict the effect of sequence changes on RNA splicing suggest that this variant may disrupt the consensus splice site. In summary, the currently available evidence indicates that the variant is pathogenic, but additional data are needed to prove that conclusively. Therefore, this variant has been classified as Likely Pathogenic.

Literature cited by the submitters: PubMed 16199547; PubMed 7550343; PubMed 7618107; PubMed 7774020; PubMed 27329733.

NM_001388492.1(HTT):c.8110-1G>A

Gene: HTT (huntingtin; plus strand). Cytogenetic location: 4p16.3.
Variant type: single nucleotide variant.
Coding change: c.8110-1G>A on transcript NM_001388492.1 (MANE Select); the canonical splice acceptor site of the intron before coding-DNA position 8110, G replaced by A.
Molecular consequence: splice acceptor variant.
Genome position (GRCh38, 1-based): chr4:3,229,886, G>A. VCF-style: chr4-3229886-G-A. GRCh37 (hg19) VCF-style: chr4-3231613-G-A.
Other names: c.8110-1G>A (NM_002111.8).
Identifiers: ClinVar variation 1357041 (VCV001357041.8), dbSNP rs2110296349, ClinGen allele CA356099941.